The following is an entry in ClinVar:

NM_133459.4(CCBE1):c.173C>T (p.Pro58Leu)

Gene: CCBE1 (collagen and calcium binding EGF domains 1; minus strand). Cytogenetic location: 18q21.32.
Variant type: single nucleotide variant.
Coding change: c.173C>T on transcript NM_133459.4 (MANE Select); coding-DNA position 173, C replaced by T.
Protein change: p.Pro58Leu; replaces proline 58 with leucine.
Molecular consequence: missense variant.
Genome position (GRCh38, 1-based): chr18:59,696,668, G>A on the plus strand (C>T on the coding strand, the complement: CCBE1 is on the minus strand). VCF-style: chr18-59696668-G-A. GRCh37 (hg19) VCF-style: chr18-57363900-G-A.
Other names: short protein forms P58L.
Identifiers: ClinVar variation 1512987 (VCV001512987.8), dbSNP rs778757631, ClinGen allele CA402717259.

ClinVar aggregate classification (germline): Uncertain significance (1 of 4 stars; one submission).

gnomAD v4.1: 5 of 1,614,042 alleles (0.00031%); highest among the groups gnomAD compares: African/African-American, 0.0053%; no homozygotes.

Submission:

Labcorp Genetics (formerly Invitae), Labcorp
Classification: Uncertain significance. Last evaluated: 2021-06-14. Review status: criteria provided, single submitter. Criteria: Invitae Variant Classification Sherloc (09022015). Collection method: clinical testing. Allele origin: germline.
Comment: Algorithms developed to predict the effect of missense changes on protein structure and function are either unavailable or do not agree on the potential impact of this missense change (SIFT: "Deleterious"; PolyPhen-2: "Possibly Damaging"; Align-GVGD: "Class C0"). This variant has not been reported in the literature in individuals with CCBE1-related conditions. This variant is not present in population databases (ExAC no frequency). This sequence change replaces proline with leucine at codon 58 of the CCBE1 protein (p.Pro58Leu). The proline residue is moderately conserved and there is a moderate physicochemical difference between proline and leucine. In summary, the available evidence is currently insufficient to determine the role of this variant in disease. Therefore, it has been classified as a Variant of Uncertain Significance.